The following is an entry in ClinVar:

ClinVar aggregate classification (germline): Conflicting classifications of pathogenicity. Review status: criteria provided, conflicting classifications (1 of 4 stars). 3 submissions from 3 submitters: Pathogenic (1); Uncertain significance (1). 1 of the submissions does not count toward it. Last evaluated 2016-03-31.

Conditions:
Familial long QT syndrome (RWS). Also called: Congenital long QT syndrome; Romano-Ward syndrome; VENTRICULAR FIBRILLATION WITH PROLONGED QT INTERVAL. Identifiers: Orphanet 768, MedGen C1141890, MONDO:0019171.

Submissions (3):

Laboratory for Molecular Medicine, Mass General Brigham Personalized Medicine
Classification: Uncertain significance. Last evaluated: 2016-03-31. Review status: criteria provided, single submitter. Criteria: LMM Criteria. Collection method: clinical testing. Allele origin: germline.
Comment: Variant identified in a genome or exome case(s) and assessed due to predicted null impact of the variant or pathogenic assertions in the literature or databases. Disclaimer: This variant has not undergone full assessment. Absent from ExAC with good coverage; ClinVar: 1 pathogenic

GeneDx
Classification: Pathogenic. Last evaluated: 2014-02-25. Review status: criteria provided, single submitter. Criteria: GeneDx Variant Classification (06012015). Collection method: clinical testing. Allele origin: germline. Affected: yes.
Comment: p.Gly749Val (GGC>GTC): c.2246 G>T in exon 9 of the KCNH2 gene (NM_000238.2)The G749V mutation in the KCNH2 gene has been reported previously in association with LQTS. The G749V mutation was reported in one patient with LQTS, and was not detected in >2,600 reference alleles (Kapplinger et al., 2009). Other missense mutations affecting nearby residues (R744P, R752Q) have been reported in association with LQTS, supporting the functional importance of this region of the protein. Furthermore, the G749V mutation was not observed in approximately 6,500 individuals of European and African American ancestry in the NHLBI Exome Sequencing Project, indicating it is not a common benign variant in these populations. In summary, G749V in the KCNH2 gene is interpreted as a disease-causing mutation. The variant is found in LQT panel(s).

Cardiovascular Biomedical Research Unit, Royal Brompton & Harefield NHS Foundation Trust
No classification provided. Condition: Familial long QT syndrome. Review status: no classification provided. Collection method: literature only. Allele origin: germline. Not counted in ClinVar's aggregate classification.
Comment: This variant has been reported as associated with Long QT syndrome in the following publications (PMID:19716085;PMID:19841300). This is a literature report, and does not necessarily reflect the clinical interpretation of the Imperial College / Royal Brompton Cardiovascular Genetics laboratory.

Literature cited by the submitters: PubMed 19716085 (cited by Cardiovascular Biomedical Research Unit, Royal Brompton & Harefield NHS Foundation Trust); PubMed 19841300 (cited by Cardiovascular Biomedical Research Unit, Royal Brompton & Harefield NHS Foundation Trust); PubMed 22581653 (cited by Cardiovascular Biomedical Research Unit, Royal Brompton & Harefield NHS Foundation Trust).

NM_000238.4(KCNH2):c.2246G>T (p.Gly749Val)

Gene: KCNH2 (potassium voltage-gated channel subfamily H member 2; minus strand). Cytogenetic location: 7q36.1.
Variant type: single nucleotide variant.
Coding change: c.2246G>T on transcript NM_000238.4 (MANE Select); coding-DNA position 2246, G replaced by T.
Protein change: p.Gly749Val; replaces glycine 749 with valine.
Molecular consequence: missense variant.
Genome position (GRCh38, 1-based): chr7:150,950,320, C>A on the plus strand (G>T on the coding strand, the complement: KCNH2 is on the minus strand). VCF-style: chr7-150950320-C-A. GRCh37 (hg19) VCF-style: chr7-150647408-C-A.
Other names: p.G749V:GGC>GTC; c.2246G>T (LRG_288t1); c.1226G>T, p.Gly409Val (NM_001204798.2, NM_172057.3); c.1958G>T, p.Gly653Val (NM_001406753.1, NM_001406756.1); c.2069G>T, p.Gly690Val (NM_001406755.1); c.1946G>T, p.Gly649Val (NM_001406757.1); c.2246G>T, p.Gly749Val (NM_172056.3); short protein forms G409V, G749V, G649V, G653V, G690V.
Identifiers: ClinVar variation 67378 (VCV000067378.6), dbSNP rs199472989, ClinGen allele CA006377.